The following is an entry in ClinVar:

ClinVar aggregate classification (germline): Uncertain significance (1 of 4 stars; one submission).

Conditions:
Encephalopathy, acute, infection-induced (herpes-specific), susceptibility to, 1. Also called: Herpes simplex encephalitis, susceptibility to, 1. Identifiers: Orphanet 1930, MedGen C2750180, MONDO:0024563, OMIM 610551.

Allele frequency attached by ClinVar (database versions not stated): gnomAD exomes 0.00002; ExAC 0.00009; ESP Exome Variant Server 0.00010; TOPMed 0.00017.
gnomAD v4.1: 34 of 1,529,914 alleles (0.0022%); highest among the groups gnomAD compares: African/African-American, 0.032%; no homozygotes.

Submission:

Labcorp Genetics (formerly Invitae), Labcorp
Classification: Uncertain significance for Encephalopathy, acute, infection-induced (herpes-specific), susceptibility to, 1. Last evaluated: 2021-12-15. Review status: criteria provided, single submitter. Criteria: Invitae Variant Classification Sherloc (09022015). Collection method: clinical testing. Allele origin: germline.
Comment: This sequence change replaces valine, which is neutral and non-polar, with methionine, which is neutral and non-polar, at codon 64 of the UNC93B1 protein (p.Val64Met). The frequency data for this variant in the population databases is considered unreliable, as metrics indicate poor data quality at this position in the gnomAD database. This variant has not been reported in the literature in individuals affected with UNC93B1-related conditions. ClinVar contains an entry for this variant (Variation ID: 638935). In summary, the available evidence is currently insufficient to determine the role of this variant in disease. Therefore, it has been classified as a Variant of Uncertain Significance.

NM_030930.4(UNC93B1):c.190G>A (p.Val64Met)

Genes: UNC93B1 (unc-93B1 regulator of TLR signaling; minus strand), LOC130006235 (ATAC-STARR-seq lymphoblastoid silent region 3653; plus strand). Cytogenetic location: 11q13.2.
Variant type: single nucleotide variant.
Coding change: c.190G>A on transcript NM_030930.4 (MANE Select); coding-DNA position 190, G replaced by A.
Protein change: p.Val64Met; replaces valine 64 with methionine.
Molecular consequence: missense variant.
Genome position (GRCh38, 1-based): chr11:68,003,705, C>T on the plus strand (G>A on the coding strand, the complement: UNC93B1 is on the minus strand). VCF-style: chr11-68003705-C-T. GRCh37 (hg19) VCF-style: chr11-67771175-C-T.
Other names: short protein forms V64M.
Identifiers: ClinVar variation 638935 (VCV000638935.6), dbSNP rs370865340, ClinGen allele CA6145715.